The following is an entry in ClinVar:

NM_015474.4(SAMHD1):c.700G>T (p.Glu234Ter)

Gene: SAMHD1 (SAM and HD domain containing deoxynucleoside triphosphate triphosphohydrolase 1; minus strand). Cytogenetic location: 20q11.23.
Variant type: single nucleotide variant.
Coding change: c.700G>T on transcript NM_015474.4 (MANE Select); coding-DNA position 700, G replaced by T.
Protein change: p.Glu234Ter; replaces glutamic acid 234 with a stop codon.
Molecular consequence: nonsense.
Genome position (GRCh38, 1-based): chr20:36,919,516, C>A on the plus strand (G>T on the coding strand, the complement: SAMHD1 is on the minus strand). VCF-style: chr20-36919516-C-A. GRCh37 (hg19) VCF-style: chr20-35547919-C-A.
Other names: c.700G>T, p.Glu234Ter (NM_001363729.2, NM_001363733.2); short protein forms E234*.
Identifiers: ClinVar variation 639210 (VCV000639210.6), dbSNP rs1219206348, ClinGen allele CA408846671.

ClinVar aggregate classification (germline): Pathogenic (1 of 4 stars; one submission).

Conditions:
Aicardi-Goutieres syndrome 5. Identifiers: Orphanet 51, MedGen C2749659, MONDO:0013059, OMIM 612952.

Allele frequency attached by ClinVar (database versions not stated): gnomAD exomes below 0.00001.
gnomAD v4.1: 1 of 1,613,240 alleles (0.000062%); highest among the groups gnomAD compares: South Asian, 0.0011%; no homozygotes.

Submission:

Labcorp Genetics (formerly Invitae), Labcorp
Classification: Pathogenic for Aicardi-Goutieres syndrome 5. Last evaluated: 2023-08-29. Review status: criteria provided, single submitter. Criteria: Invitae Variant Classification Sherloc (09022015). Collection method: clinical testing. Allele origin: germline.
Comment: For these reasons, this variant has been classified as Pathogenic. ClinVar contains an entry for this variant (Variation ID: 639210). This variant has not been reported in the literature in individuals affected with SAMHD1-related conditions. This variant is not present in population databases (gnomAD no frequency). This sequence change creates a premature translational stop signal (p.Glu234*) in the SAMHD1 gene. It is expected to result in an absent or disrupted protein product. Loss-of-function variants in SAMHD1 are known to be pathogenic (PMID: 19525956, 22461318).

Literature cited by the submitters: PubMed 19525956; PubMed 22461318.